The following is an entry in ClinVar:

NM_004360.5(CDH1):c.510A>G (p.Pro170=)

Gene: CDH1 (cadherin 1; plus strand). Cytogenetic location: 16q22.1.
Variant type: single nucleotide variant.
Coding change: c.510A>G on transcript NM_004360.5 (MANE Select); coding-DNA position 510, A replaced by G.
Protein change: p.Pro170=; no amino-acid change (proline 170 retained).
Molecular consequence: synonymous variant. On other transcripts: 5 prime UTR variant (2).
Genome position (GRCh38, 1-based): chr16:68,808,546, A>G. VCF-style: chr16-68808546-A-G. GRCh37 (hg19) VCF-style: chr16-68842449-A-G.
Other names: c.510A>G (LRG_301t1); c.510A>G, p.Pro170= (NM_001317184.2); c.-1106A>G (NM_001317185.2); c.-1310A>G (NM_001317186.2).
Identifiers: ClinVar variation 215836 (VCV000215836.24), dbSNP rs774962542, ClinGen allele CA336575.

ClinVar aggregate classification (germline): Benign/Likely benign. Review status: criteria provided, multiple submitters, no conflicts (2 of 4 stars). 9 submissions from 9 submitters: Benign (1); Likely benign (7). 1 of the submissions does not count toward it. Last evaluated 2025-12-24.

Conditions:
Hereditary cancer-predisposing syndrome. Also called: Tumor predisposition; Hereditary Cancer Syndrome; Neoplastic Syndromes, Hereditary; Hereditary neoplastic syndrome. Identifiers: Orphanet 140162, MedGen C0027672, MeSH D009386, MONDO:0015356.
Hereditary diffuse gastric adenocarcinoma (HDGC). Also called: DIFFUSE GASTRIC AND LOBULAR BREAST CANCER SYNDROME. Identifiers: Orphanet 26106, MedGen C1708349, MONDO:0007648, OMIM 137215.

Allele frequency attached by ClinVar (database versions not stated): ExAC 0.00001; gnomAD exomes 0.00001; gnomAD 0.00002; TOPMed 0.00002.
gnomAD v4.1: 16 of 1,614,038 alleles (0.00099%); highest among the groups gnomAD compares: Non-Finnish European, 0.0014%; no homozygotes.

Submissions (9):

Labcorp Genetics (formerly Invitae), Labcorp
Classification: Likely benign for Hereditary diffuse gastric adenocarcinoma. Last evaluated: 2025-12-24. Review status: criteria provided, single submitter. Criteria: Invitae Variant Classification Sherloc (09022015). Collection method: clinical testing. Allele origin: germline.

Myriad Genetics, Inc.
Classification: Benign for Hereditary diffuse gastric adenocarcinoma. Last evaluated: 2023-03-03. Review status: criteria provided, single submitter. Criteria: Myriad Autosomal Dominant, Autosomal Recessive and X-Linked Classification Criteria (2023). Collection method: clinical testing. Allele origin: unknown.
Comment: This variant is considered benign. This variant is a silent/synonymous amino acid change and it is not expected to impact splicing.

Sema4
Classification: Likely benign for Hereditary cancer-predisposing syndrome. Last evaluated: 2021-05-17. Review status: criteria provided, single submitter. Criteria: Sema4 Curation Guidelines. Collection method: curation. Allele origin: germline.

GeneDx
Classification: Likely benign. Last evaluated: 2019-01-11. Review status: criteria provided, single submitter. Criteria: GeneDx Variant Classification Process June 2021. Collection method: clinical testing. Allele origin: germline. Affected: yes.

PreventionGenetics, part of Exact Sciences
Classification: Likely benign. Last evaluated: 2017-12-05. Review status: criteria provided, single submitter. Criteria: ACMG Guidelines, 2015. Collection method: clinical testing. Allele origin: germline.

Quest Diagnostics Nichols Institute San Juan Capistrano
Classification: Likely benign. Last evaluated: 2016-10-04. Review status: criteria provided, single submitter. Criteria: Quest Diagnostics criteria. Collection method: clinical testing. Allele origin: germline.

Color Diagnostics, LLC DBA Color Health
Classification: Likely benign for Hereditary cancer-predisposing syndrome. Last evaluated: 2016-05-04. Review status: criteria provided, single submitter. Criteria: ACMG Guidelines, 2015. Collection method: clinical testing. Allele origin: germline.

Ambry Genetics
Classification: Likely benign for Hereditary cancer-predisposing syndrome. Last evaluated: 2015-02-27. Review status: criteria provided, single submitter. Criteria: Ambry Variant Classification Scheme 2023. Collection method: clinical testing. Allele origin: germline.

Counsyl
Classification: Likely benign for Hereditary diffuse gastric adenocarcinoma. Last evaluated: 2016-05-10. Review status: no assertion criteria provided. Collection method: clinical testing. Allele origin: unknown. Not counted in ClinVar's aggregate classification.